The following is an entry in ClinVar:

ClinVar aggregate classification (germline): Likely pathogenic. Review status: criteria provided, single submitter (1 of 4 stars). 2 submissions from 2 submitters: Likely pathogenic (1). 1 of the submissions does not count toward it. Last evaluated 2025-05-27.

Conditions:
Joubert syndrome 23 (JBTS23). Identifiers: Orphanet 475, MedGen C4084822, MONDO:0014664, OMIM 616490.
Short-rib thoracic dysplasia 14 with polydactyly (SRTD14). Identifiers: Orphanet 397715, MedGen C4225286, MONDO:0014688, OMIM 616546.
Speech and developmental delay.

Submissions (2):

Labcorp Genetics (formerly Invitae), Labcorp
Classification: Likely pathogenic for Joubert syndrome 23; Short-rib thoracic dysplasia 14 with polydactyly. Last evaluated: 2025-05-27. Review status: criteria provided, single submitter. Criteria: Invitae Variant Classification Sherloc (09022015). Collection method: clinical testing. Allele origin: germline.
Comment: This sequence change affects a donor splice site in intron 8 of the KIAA0586 gene. It is expected to disrupt RNA splicing. Variants that disrupt the donor or acceptor splice site typically lead to a loss of protein function (PMID: 16199547), and loss-of-function variants in KIAA0586 are known to be pathogenic (PMID: 26096313, 26166481, 26386044). This variant is not present in population databases (gnomAD no frequency). This variant has not been reported in the literature in individuals affected with KIAA0586-related conditions. Algorithms developed to predict the effect of sequence changes on RNA splicing suggest that this variant may disrupt the consensus splice site. In summary, the currently available evidence indicates that the variant is pathogenic, but additional data are needed to prove that conclusively. Therefore, this variant has been classified as Likely Pathogenic.

Molecular Genetics, Labor Dr. Heidrich & Kollegen MVZ GmbH
Classification: Likely pathogenic for Speech and developmental delay. Last evaluated: 2025-12-23. Review status: no assertion criteria provided. Collection method: clinical testing. Allele origin: germline. Affected: yes. Not counted in ClinVar's aggregate classification.

Literature cited by the submitters: PubMed 16199547 (cited by Labcorp Genetics (formerly Invitae), Labcorp); PubMed 26096313 (cited by Labcorp Genetics (formerly Invitae), Labcorp); PubMed 26166481 (cited by Labcorp Genetics (formerly Invitae), Labcorp); PubMed 26386044 (cited by Labcorp Genetics (formerly Invitae), Labcorp).

NM_001329943.3(KIAA0586):c.807+1G>C

Gene: KIAA0586 (KIAA0586; plus strand). Cytogenetic location: 14q23.1.
Variant type: single nucleotide variant.
Coding change: c.807+1G>C on transcript NM_001329943.3 (MANE Select); the canonical splice donor site of the intron after coding-DNA position 807, G replaced by C.
Molecular consequence: splice donor variant.
Genome position (GRCh38, 1-based): chr14:58,444,176, G>C. VCF-style: chr14-58444176-G-C. GRCh37 (hg19) VCF-style: chr14-58910894-G-C.
Other names: c.966+1G>C (NM_001244189.2); c.762+1G>C (NM_001244190.2); c.675+1G>C (NM_001244192.2); c.552+1G>C (NM_001244191.2, NM_001364701.2, NM_001329945.2 and 1 more transcripts); c.807+1G>C (NM_001329944.2, NM_001329946.2, NM_001329947.2 and 1 more transcripts); c.387+1G>C (NM_001244193.2).
Identifiers: ClinVar variation 4788546 (VCV004788546.2).